The following is an entry in ClinVar:

NM_052813.5(CARD9):c.1064T>C (p.Ile355Thr)

Gene: CARD9 (caspase recruitment domain family member 9; minus strand). Cytogenetic location: 9q34.3.
Variant type: single nucleotide variant.
Coding change: c.1064T>C on transcript NM_052813.5 (MANE Select); coding-DNA position 1064, T replaced by C.
Protein change: p.Ile355Thr; replaces isoleucine 355 with threonine.
Molecular consequence: missense variant.
Genome position (GRCh38, 1-based): chr9:136,369,763, A>G on the plus strand (T>C on the coding strand, the complement: CARD9 is on the minus strand). VCF-style: chr9-136369763-A-G. GRCh37 (hg19) VCF-style: chr9-139264215-A-G.
Other names: c.1064T>C, p.Ile355Thr (NM_052814.4); short protein forms I355T.
Identifiers: ClinVar variation 3624214 (VCV003624214.3).

ClinVar aggregate classification (germline): Uncertain significance. Review status: criteria provided, multiple submitters, no conflicts (2 of 4 stars). 2 submissions from 2 submitters: Uncertain significance (2). Last evaluated 2025-09-22.

Conditions:
Inborn genetic diseases. Identifiers: MedGen C0950123, MeSH D030342.
Predisposition to invasive fungal disease due to CARD9 deficiency (IMD103). Also called: CARD9 IMMUNODEFICIENCY; Candidiasis, familial, 2, autosomal recessive; IMMUNODEFICIENCY 103, SUSCEPTIBILITY TO FUNGAL INFECTIONS. Identifiers: Orphanet 457088, MedGen C1859353, MONDO:0008905, OMIM 212050.

gnomAD v4.1: 4 of 1,605,320 alleles (0.00025%); highest among the groups gnomAD compares: South Asian, 0.0044%; no homozygotes.

Submissions (2):

Ambry Genetics
Classification: Uncertain significance for Inborn genetic diseases. Last evaluated: 2025-09-22. Review status: criteria provided, single submitter. Criteria: Ambry Variant Classification Scheme 2023. Collection method: clinical testing. Allele origin: germline.

Labcorp Genetics (formerly Invitae), Labcorp
Classification: Uncertain significance for Predisposition to invasive fungal disease due to CARD9 deficiency. Last evaluated: 2024-02-17. Review status: criteria provided, single submitter. Criteria: Invitae Variant Classification Sherloc (09022015). Collection method: clinical testing. Allele origin: germline.
Comment: This sequence change replaces isoleucine, which is neutral and non-polar, with threonine, which is neutral and polar, at codon 355 of the CARD9 protein (p.Ile355Thr). This variant is present in population databases (no rsID available, gnomAD 0.003%). This variant has not been reported in the literature in individuals affected with CARD9-related conditions. Advanced modeling of protein sequence and biophysical properties (such as structural, functional, and spatial information, amino acid conservation, physicochemical variation, residue mobility, and thermodynamic stability) performed at Invitae indicates that this missense variant is not expected to disrupt CARD9 protein function with a negative predictive value of 80%. In summary, the available evidence is currently insufficient to determine the role of this variant in disease. Therefore, it has been classified as a Variant of Uncertain Significance.